The following is an entry in ClinVar:

NM_003730.6(RNASET2):c.696C>T (p.Ala232=)

Gene: RNASET2 (ribonuclease T2; minus strand). Cytogenetic location: 6q27.
Variant type: single nucleotide variant.
Coding change: c.696C>T on transcript NM_003730.6 (MANE Select); coding-DNA position 696, C replaced by T.
Protein change: p.Ala232=; no amino-acid change (alanine 232 retained).
Molecular consequence: synonymous variant.
Genome position (GRCh38, 1-based): chr6:166,929,663, G>A on the plus strand (C>T on the coding strand, the complement: RNASET2 is on the minus strand). VCF-style: chr6-166929663-G-A. GRCh37 (hg19) VCF-style: chr6-167343151-G-A.
Identifiers: ClinVar variation 735217 (VCV000735217.43), dbSNP rs537280779, ClinGen allele CA4094815.

ClinVar aggregate classification (germline): Benign/Likely benign. Review status: criteria provided, multiple submitters, no conflicts (2 of 4 stars). 4 submissions from 4 submitters: Benign (1); Likely benign (3). Last evaluated 2026-01-19.

Conditions:
Cystic leukoencephalopathy without megalencephaly. Identifiers: Orphanet 85136, MedGen C2751843, MONDO:0013058, OMIM 612951.

Allele frequency attached by ClinVar (database versions not stated): TOPMed 0.00006; gnomAD 0.00007 and 0.00025; gnomAD exomes 0.00059 and 0.00122; ExAC 0.00144; 1000 Genomes Project 30x 0.00187; 1000 Genomes Project 0.00220.
gnomAD v4.1: 895 of 1,614,064 alleles (0.055%); highest among the groups gnomAD compares: South Asian, 0.89%; 10 homozygotes.

Submissions (4):

Labcorp Genetics (formerly Invitae), Labcorp
Classification: Benign. Last evaluated: 2026-01-19. Review status: criteria provided, single submitter. Criteria: Invitae Variant Classification Sherloc (09022015). Collection method: clinical testing. Allele origin: germline.

CeGaT Center for Human Genetics Tuebingen
Classification: Likely benign. Last evaluated: 2025-07-01. Review status: criteria provided, single submitter. Criteria: CeGaT Center For Human Genetics Tuebingen Variant Classification Criteria Version 2. Collection method: clinical testing. Allele origin: germline. Affected: yes. Observed: 4 variant alleles.
Comment: RNASET2: BP4, BP7

Blueprint Genetics
Classification: Likely benign. Last evaluated: 2024-11-18. Review status: criteria provided, single submitter. Criteria: ACMG Guidelines, 2015. Collection method: clinical testing. Allele origin: germline.

Illumina Laboratory Services, Illumina
Classification: Likely benign for Cystic leukoencephalopathy without megalencephaly. Last evaluated: 2018-01-13. Review status: criteria provided, single submitter. Criteria: ICSL Variant Classification Criteria 13 December 2019. Collection method: clinical testing. Allele origin: germline.
Comment: This variant was observed in the ICSL laboratory as part of a predisposition screen in an ostensibly healthy population. It had not been previously curated by ICSL or reported in the Human Gene Mutation Database (HGMD: prior to June 1st, 2018), and was therefore a candidate for classification through an automated scoring system. Utilizing variant allele frequency, disease prevalence and penetrance estimates, and inheritance mode, an automated score was calculated to assess if this variant is too frequent to cause the disease. Based on the score and internal cut-off values, a variant classified as likely benign is not then subjected to further curation. The score for this variant resulted in a classification of likely benign for this disease.